The following is an entry in ClinVar:

NM_001276270.2(MBD4):c.1133del (p.Arg378fs)

Gene: MBD4 (methyl-CpG binding domain 4, DNA glycosylase; minus strand). Cytogenetic location: 3q21.3.
Variant type: Deletion.
Coding change: c.1133del on transcript NM_001276270.2 (MANE Select); coding-DNA position 1133, one base deleted (G; older notation c.1133delG).
Protein change: p.Arg378fs; shifts the reading frame from arginine 378.
Molecular consequence: frameshift variant. On other transcripts: intron variant (1).
Genome position (GRCh38, 1-based): chr3:129,436,511, C deleted on the plus strand (G on the coding strand, the reverse complement: MBD4 is on the minus strand). VCF-style (leftmost placement, unchanged base first): chr3-129436510-AC-A. GRCh37 (hg19) VCF-style: chr3-129155353-AC-A.
Other names: c.1133del, p.Arg378fs (NM_001276271.2, NM_001276272.2, NM_003925.3); c.247+1297del (NM_001276273.2); c.1133delG (NM_001276270.2); short protein forms R378fs.
Identifiers: ClinVar variation 4104677 (VCV004104677.1).

ClinVar aggregate classification (germline): Pathogenic (1 of 4 stars; one submission).

Conditions:
Inborn genetic diseases. Identifiers: MedGen C0950123, MeSH D030342.

Submission:

Ambry Genetics
Classification: Pathogenic for Inborn genetic diseases. Last evaluated: 2025-09-05. Review status: criteria provided, single submitter. Criteria: Ambry Variant Classification Scheme 2023. Collection method: clinical testing. Allele origin: germline.
Comment: The c.1133delG pathogenic mutation, located in coding exon 3 of the MBD4 gene, results from a deletion of one nucleotide at nucleotide position 1133, causing a translational frameshift with a predicted alternate stop codon (p.R378Lfs*26). This variant is considered to be rare based on population cohorts in the Genome Aggregation Database (gnomAD). This alteration is expected to result in loss of function by premature protein truncation or nonsense-mediated mRNA decay. As such, this alteration is interpreted as a disease-causing mutation.